The following is an entry in ClinVar:

NM_000059.4(BRCA2):c.3401del (p.Ser1134fs)

Gene: BRCA2 (BRCA2 DNA repair associated; plus strand). Cytogenetic location: 13q13.1.
Variant type: Deletion.
Coding change: c.3401del on transcript NM_000059.4 (MANE Select); coding-DNA position 3401, one base deleted (G; older notation c.3401delG).
Protein change: p.Ser1134fs; shifts the reading frame from serine 1134.
Molecular consequence: frameshift variant.
Genome position (GRCh38, 1-based): chr13:32,337,756, G deleted. VCF-style (leftmost placement, unchanged base first): chr13-32337755-AG-A. GRCh37 (hg19) VCF-style: chr13-32911892-AG-A.
Other names: c.3401delG (NM_000059.3); short protein forms S1134fs.
Identifiers: ClinVar variation 487423 (VCV000487423.5), dbSNP rs1555283219, ClinGen allele CA658656408.

ClinVar aggregate classification (germline): Pathogenic/Likely pathogenic. Review status: criteria provided, multiple submitters, no conflicts (2 of 4 stars). 3 submissions from 3 submitters: Pathogenic (1); Likely pathogenic (1). 1 of the submissions does not count toward it. Last evaluated 2020-11-13.

Conditions:
Breast-ovarian cancer, familial, susceptibility to, 2 (BROVCA2). Also called: BRCA2 Hereditary Breast and Ovarian Cancer. Identifiers: Orphanet 145, MedGen C2675520, MONDO:0012933, OMIM 612555. Disease mechanism: loss of function.

Submissions (3):

Quest Diagnostics Nichols Institute San Juan Capistrano
Classification: Likely pathogenic. Last evaluated: 2020-11-13. Review status: criteria provided, single submitter. Criteria: Quest Diagnostics criteria. Collection method: clinical testing. Allele origin: unknown.
Comment: This frameshift variant is predicted to cause the premature termination of BRCA2 protein synthesis. To the best of our knowledge, the variant has not been reported in the published literature. This variant has not been reported in large, multi-ethnic general populations. Based on the available information, we predict that the variant is likely pathogenic.

GeneDx
Classification: Pathogenic. Last evaluated: 2016-12-15. Review status: criteria provided, single submitter. Criteria: GeneDx Variant Classification (06012015). Collection method: clinical testing. Allele origin: germline. Affected: yes.
Comment: This deletion of one nucleotide in BRCA2 is denoted c.3401delG at the cDNA level and p.Ser1134ThrfsX16 (S1134TfsX16) at the protein level. Using alternate nomenclature this variant would be defined as BRCA2 3629delG. The normal sequence, with the base that is deleted in brackets, is CCAA[delG]CTAC. The deletion causes a frameshift which changes a Serine to a Threonine at codon 1134, and creates a premature stop codon at position 16 of the new reading frame. Although this variant has not, to our knowledge, been reported in the literature, it is predicted to cause loss of normal protein function through either protein truncation or nonsense-mediated mRNA decay. We consider this variant to be pathogenic.

Counsyl
Classification: Likely pathogenic for Breast-ovarian cancer, familial, susceptibility to, 2. Last evaluated: 2017-02-14. Review status: no assertion criteria provided. Collection method: clinical testing. Allele origin: unknown. Not counted in ClinVar's aggregate classification.